The following is an entry in ClinVar:

NM_001854.4(COL11A1):c.4175C>T (p.Thr1392Ile)

Gene: COL11A1 (collagen type XI alpha 1 chain; minus strand). Cytogenetic location: 1p21.1.
Variant type: single nucleotide variant.
Coding change: c.4175C>T on transcript NM_001854.4 (MANE Select); coding-DNA position 4175, C replaced by T.
Protein change: p.Thr1392Ile; replaces threonine 1392 with isoleucine.
Molecular consequence: missense variant. On other transcripts: non-coding transcript variant (1).
Genome position (GRCh38, 1-based): chr1:102,898,739, G>A on the plus strand (C>T on the coding strand, the complement: COL11A1 is on the minus strand). VCF-style: chr1-102898739-G-A. GRCh37 (hg19) VCF-style: chr1-103364295-G-A.
Other names: c.4175C>T (NM_001854.3); c.4058C>T, p.Thr1353Ile (NM_001190709.2); c.4211C>T, p.Thr1404Ile (NM_080629.3); c.3827C>T, p.Thr1276Ile (NM_080630.4); short protein forms T1353I, T1276I, T1404I, T1392I.
Identifiers: ClinVar variation 1380051 (VCV001380051.9), dbSNP rs780411112, ClinGen allele CA973643.

ClinVar aggregate classification (germline): Uncertain significance. Review status: criteria provided, multiple submitters, no conflicts (2 of 4 stars). 4 submissions from 4 submitters: Uncertain significance (4). Last evaluated 2025-11-01.

Conditions:
Stickler syndrome type 2 (STL2). Also called: COL11A1-Related Stickler Syndrome; STICKLER SYNDROME, TYPE II; STICKLER SYNDROME, BEADED VITREOUS TYPE; STICKLER SYNDROME, VITREOUS TYPE 2. Identifiers: Orphanet 828, Orphanet 90654, MedGen C1858084, MONDO:0011493, OMIM 604841.
Marshall syndrome (MRSHS). Identifiers: Orphanet 560, MedGen C0265235, MONDO:0007949, OMIM 154780.
Fibrochondrogenesis 1 (FBCG1). Identifiers: Orphanet 2021, MedGen C3278138, MONDO:0009226, OMIM 228520.
Intervertebral disc disorder (IDD). Also called: INTERVERTEBRAL DISC DISEASE; Lumbar disk degenerative disorder. Identifiers: MedGen C0158252, MONDO:0044339, OMIM 603932.
Hearing loss, autosomal dominant 37. Also called: DEAFNESS, AUTOSOMAL DOMINANT 37. Identifiers: MedGen C4760307, MONDO:0032802, OMIM 618533.
Inborn genetic diseases. Identifiers: MedGen C0950123, MeSH D030342.

Allele frequency attached by ClinVar (database versions not stated): gnomAD exomes 0.00001 and 0.00002; TOPMed 0.00002; ExAC 0.00001; gnomAD 0.00001.
gnomAD v4.1: 16 of 1,612,968 alleles (0.00099%); highest among the groups gnomAD compares: Non-Finnish European, 0.0014%; no homozygotes.

Submissions (4):

Labcorp Genetics (formerly Invitae), Labcorp
Classification: Uncertain significance. Last evaluated: 2025-11-01. Review status: criteria provided, single submitter. Criteria: Invitae Variant Classification Sherloc (09022015). Collection method: clinical testing. Allele origin: germline.
Comment: This sequence change replaces threonine, which is neutral and polar, with isoleucine, which is neutral and non-polar, at codon 1392 of the COL11A1 protein (p.Thr1392Ile). This variant is present in population databases (rs780411112, gnomAD 0.004%). This variant has not been reported in the literature in individuals affected with COL11A1-related conditions. ClinVar contains an entry for this variant (Variation ID: 1380051). Invitae Evidence Modeling of protein sequence and biophysical properties (such as structural, functional, and spatial information, amino acid conservation, physicochemical variation, residue mobility, and thermodynamic stability) indicates that this missense variant is not expected to disrupt COL11A1 protein function with a negative predictive value of 80%. In summary, the available evidence is currently insufficient to determine the role of this variant in disease. Therefore, it has been classified as a Variant of Uncertain Significance.

GeneDx
Classification: Uncertain significance. Last evaluated: 2025-05-11. Review status: criteria provided, single submitter. Criteria: GeneDx Variant Classification Process June 2021. Collection method: clinical testing. Allele origin: germline. Affected: yes.
Comment: Not observed at significant frequency in large population cohorts (gnomAD); In silico analysis supports that this missense variant has a deleterious effect on protein structure/function; Has not been previously published as pathogenic or benign to our knowledge

Ambry Genetics
Classification: Uncertain significance for Inborn genetic diseases. Last evaluated: 2023-12-15. Review status: criteria provided, single submitter. Criteria: Ambry Variant Classification Scheme 2023. Collection method: clinical testing. Allele origin: germline.

Fulgent Genetics
Classification: Uncertain significance for Marshall syndrome; Fibrochondrogenesis 1; Intervertebral disc disorder; Stickler syndrome type 2; Hearing loss, autosomal dominant 37. Last evaluated: 2021-09-10. Review status: criteria provided, single submitter. Criteria: ACMG Guidelines, 2015. Collection method: clinical testing. Allele origin: unknown.